The following is an entry in ClinVar:

NM_015338.6(ASXL1):c.470A>T (p.Gln157Leu)

Gene: ASXL1 (ASXL transcriptional regulator 1; plus strand). Cytogenetic location: 20q11.21.
Variant type: single nucleotide variant.
Coding change: c.470A>T on transcript NM_015338.6 (MANE Select); coding-DNA position 470, A replaced by T.
Protein change: p.Gln157Leu; replaces glutamine 157 with leucine.
Molecular consequence: missense variant.
Genome position (GRCh38, 1-based): chr20:32,428,421, A>T. VCF-style: chr20-32428421-A-T. GRCh37 (hg19) VCF-style: chr20-31016224-A-T.
Other names: c.440A>T, p.Gln147Leu (NM_001363734.1); short protein forms Q147L, Q157L.
Identifiers: ClinVar variation 4158604 (VCV004158604.1).
Genomic context (GRCh38, chr20:32,428,421, plus strand): 5'-CTACAGAATCTCAGAGTCGACCTCTTTCCAATCCCAGGGACAGCTACAGAGCTTCCTCAC[A>T]GGTAAGGAAGAGGTAGAGCCTAGCCTGGGAGGATGAATGATGACAGGTATAAGGCAAGAT-3'
Protein context (NP_056153.2, residues 147-167): NPRDSYRASS[Gln157Leu]ANKQKKKTGV

ClinVar aggregate classification (germline): Uncertain significance (1 of 4 stars; one submission).

Conditions:
Inborn genetic diseases. Identifiers: MedGen C0950123, MeSH D030342.

gnomAD v4.1: 1 of 1,609,140 alleles (0.000062%); highest among the groups gnomAD compares: Non-Finnish European, 0.000085%; no homozygotes.

Submission:

Ambry Genetics
Classification: Uncertain significance for Inborn genetic diseases. Last evaluated: 2025-08-02. Review status: criteria provided, single submitter. Criteria: Ambry Variant Classification Scheme 2023. Collection method: clinical testing. Allele origin: germline.
Comment: The p.Q157L variant (also known as c.470A>T), located in coding exon 6 of the ASXL1 gene, results from an A to T substitution at nucleotide position 470. The glutamine at codon 157 is replaced by leucine, an amino acid with dissimilar properties. This amino acid position is conserved. In addition, this alteration is predicted to be tolerated by in silico analysis. Based on the available evidence, the clinical significance of this variant remains unclear.